The following is an entry in ClinVar:

ClinVar aggregate classification (germline): Uncertain significance (1 of 4 stars; one submission).

Conditions:
Mowat-Wilson syndrome (MOWS). Also called: Classic Mowat-Wilson Syndrome. Identifiers: Orphanet 2152, MedGen C1856113, MONDO:0009341, OMIM 235730.

gnomAD v4.1: 1 of 1,613,774 alleles (0.000062%); highest among the groups gnomAD compares: South Asian, 0.0011%; no homozygotes.

Submission:

Labcorp Genetics (formerly Invitae), Labcorp
Classification: Uncertain significance for Mowat-Wilson syndrome. Last evaluated: 2025-08-03. Review status: criteria provided, single submitter. Criteria: Invitae Variant Classification Sherloc (09022015). Collection method: clinical testing. Allele origin: germline.
Comment: This sequence change replaces proline, which is neutral and non-polar, with leucine, which is neutral and non-polar, at codon 72 of the ZEB2 protein (p.Pro72Leu). This variant is not present in population databases (gnomAD no frequency). This variant has not been reported in the literature in individuals affected with ZEB2-related conditions. An algorithm developed to predict the effect of missense changes on protein structure and function (PolyPhen-2) suggests that this variant is likely to be tolerated. In summary, the available evidence is currently insufficient to determine the role of this variant in disease. Therefore, it has been classified as a Variant of Uncertain Significance.

NM_014795.4(ZEB2):c.215C>T (p.Pro72Leu)

Gene: ZEB2 (zinc finger E-box binding homeobox 2; minus strand). Cytogenetic location: 2q22.3.
Variant type: single nucleotide variant.
Coding change: c.215C>T on transcript NM_014795.4 (MANE Select); coding-DNA position 215, C replaced by T.
Protein change: p.Pro72Leu; replaces proline 72 with leucine.
Molecular consequence: missense variant.
Genome position (GRCh38, 1-based): chr2:144,429,885, G>A on the plus strand (C>T on the coding strand, the complement: ZEB2 is on the minus strand). VCF-style: chr2-144429885-G-A. GRCh37 (hg19) VCF-style: chr2-145187452-G-A.
Other names: c.215C>T, p.Pro72Leu (NM_001171653.2); short protein forms P72L.
Identifiers: ClinVar variation 4724678 (VCV004724678.1).
Genomic context (GRCh38, chr2:144,429,885, plus strand): 5'-CCACCCTCCCTTATTTCATCTTCCTCTTCCTCTCTTGGCAACAGAGCTTGGCTCACGTGT[G>A]GGGAGGACTCATGGTTGGGCACACTAGCTGGACTCGTCTCCTGGTCCAGAGGGTTGGCAA-3'
Protein context (NP_055610.1, residues 62-82): PASVPNHESS[Pro72Leu]HVSQALLPRE